The following is an entry in ClinVar:

NM_005359.6(SMAD4):c.487G>T (p.Val163Leu)

Gene: SMAD4 (SMAD family member 4; plus strand). Cytogenetic location: 18q21.2.
Variant type: single nucleotide variant.
Coding change: c.487G>T on transcript NM_005359.6 (MANE Select); coding-DNA position 487, G replaced by T.
Protein change: p.Val163Leu; replaces valine 163 with leucine.
Molecular consequence: missense variant. On other transcripts: non-coding transcript variant (2).
Genome position (GRCh38, 1-based): chr18:51,054,813, G>T. VCF-style: chr18-51054813-G-T. GRCh37 (hg19) VCF-style: chr18-48581183-G-T.
Other names: c.487G>T, p.Val163Leu (NM_001407041.1, NM_001407042.1, NM_001407043.1); short protein forms V163L.
Identifiers: ClinVar variation 2633762 (VCV002633762.4), dbSNP rs2144418018, ClinGen allele CA402460654.

ClinVar aggregate classification (germline): Uncertain significance. Review status: criteria provided, multiple submitters, no conflicts (2 of 4 stars). 2 submissions from 2 submitters: Uncertain significance (2). Last evaluated 2023-11-01.

Conditions:
Juvenile polyposis syndrome (JPS). Identifiers: Orphanet 2929, MedGen C0345893, MONDO:0017380, OMIM 174900.
SMAD4-related disorder. Also called: SMAD4-related condition; SMAD4-Related disorders.

Submissions (2):

Labcorp Genetics (formerly Invitae), Labcorp
Classification: Uncertain significance for Juvenile polyposis syndrome. Last evaluated: 2023-11-01. Review status: criteria provided, single submitter. Criteria: Invitae Variant Classification Sherloc (09022015). Collection method: clinical testing. Allele origin: germline.
Comment: This sequence change replaces valine, which is neutral and non-polar, with leucine, which is neutral and non-polar, at codon 163 of the SMAD4 protein (p.Val163Leu). This variant is not present in population databases (gnomAD no frequency). This variant has not been reported in the literature in individuals affected with SMAD4-related conditions. Advanced modeling of protein sequence and biophysical properties (such as structural, functional, and spatial information, amino acid conservation, physicochemical variation, residue mobility, and thermodynamic stability) performed at Invitae indicates that this missense variant is not expected to disrupt SMAD4 protein function with a negative predictive value of 95%. In summary, the available evidence is currently insufficient to determine the role of this variant in disease. Therefore, it has been classified as a Variant of Uncertain Significance.

PreventionGenetics, part of Exact Sciences
Classification: Uncertain significance for SMAD4-related condition. Last evaluated: 2023-04-05. Review status: criteria provided, single submitter. Criteria: ACMG Guidelines, 2015. Collection method: clinical testing. Allele origin: germline.
Comment: The SMAD4 c.487G>T variant is predicted to result in the amino acid substitution p.Val163Leu. To our knowledge, this variant has not been reported in the literature or in a large population database, indicating this variant is rare. At this time, the clinical significance of this variant is uncertain due to the absence of conclusive functional and genetic evidence.